The following is an entry in ClinVar:

ClinVar aggregate classification (germline): Benign (1 of 4 stars; one submission).

Conditions:
Neuropathy, hereditary sensory and autonomic, type 1A (HSAN1A). Also called: NEUROPATHY, HEREDITARY SENSORY AND AUTONOMIC, TYPE IA; HSAN IA; HSN IA; NEUROPATHY, HEREDITARY SENSORY RADICULAR, AUTOSOMAL DOMINANT, TYPE 1A; SPTLC1-Related Hereditary Sensory Neuropathy. Identifiers: MedGen C5235211, MONDO:0008086, OMIM 162400.

Allele frequency attached by ClinVar (database versions not stated): gnomAD 0.00228 and 0.00245; TOPMed 0.00236; 1000 Genomes Project 0.00260; 1000 Genomes Project 30x 0.00312.

Submission:

Illumina Laboratory Services, Illumina
Classification: Benign for Neuropathy, hereditary sensory and autonomic, type 1A. Last evaluated: 2018-01-13. Review status: criteria provided, single submitter. Criteria: ICSL Variant Classification Criteria 13 December 2019. Collection method: clinical testing. Allele origin: germline.
Comment: This variant was observed in the ICSL laboratory as part of a predisposition screen in an ostensibly healthy population. It had not been previously curated by ICSL or reported in the Human Gene Mutation Database (HGMD: prior to June 1st, 2018), and was therefore a candidate for classification through an automated scoring system. Utilizing variant allele frequency, disease prevalence and penetrance estimates, and inheritance mode, an automated score was calculated to assess if this variant is too frequent to cause the disease. Based on the score and internal cut-off values, a variant classified as benign is not then subjected to further curation. The score for this variant resulted in a classification of benign for this disease.

NM_006415.4(SPTLC1):c.*1154T>C

Gene: SPTLC1 (serine palmitoyltransferase long chain base subunit 1; minus strand). Cytogenetic location: 9q22.31.
Variant type: single nucleotide variant.
Coding change: c.*1154T>C on transcript NM_006415.4 (MANE Select); 1154 bases downstream of the stop codon, T replaced by C.
Molecular consequence: 3 prime UTR variant.
Genome position (GRCh38, 1-based): chr9:92,031,311, A>G on the plus strand (T>C on the coding strand, the complement: SPTLC1 is on the minus strand). VCF-style: chr9-92031311-A-G. GRCh37 (hg19) VCF-style: chr9-94793593-A-G.
Other names: c.*1002T>C (NM_001281303.2); c.*1154T>C (NM_001368272.1, NM_001368273.1).
Identifiers: ClinVar variation 367529 (VCV000367529.5), dbSNP rs142740904, ClinGen allele CA10634115.
Genomic context (GRCh38, chr9:92,031,311, plus strand): 5'-ATGTACAAAATACCTCAAGCAAAATAGAAACTGAACATTCAAAAAGTATGTGTTGTTTAA[A>G]AAGATGTTGAAGACCATTTGAGTAATAAGCACAGGTTATAAAAATCACAATTTTATTCTT-3'